The following is an entry in ClinVar:

ClinVar aggregate classification (germline): Uncertain significance. Review status: criteria provided, multiple submitters, no conflicts (2 of 4 stars). 2 submissions from 2 submitters: Uncertain significance (2). Last evaluated 2023-08-04.

Conditions:
FOXP2-related disorder. Also called: FOXP2-related condition.
Inborn genetic diseases. Identifiers: MedGen C0950123, MeSH D030342.

Allele frequency attached by ClinVar (database versions not stated): gnomAD exomes below 0.00001; ExAC 0.00001.
gnomAD v4.1: 3 of 1,611,466 alleles (0.00019%); highest among the groups gnomAD compares: Admixed American, 0.0033%; no homozygotes.

Submissions (2):

PreventionGenetics, part of Exact Sciences
Classification: Uncertain significance for FOXP2-related condition. Last evaluated: 2023-08-04. Review status: criteria provided, single submitter. Criteria: ACMG Guidelines, 2015. Collection method: clinical testing. Allele origin: germline.
Comment: The FOXP2 c.125C>G variant is predicted to result in the amino acid substitution p.Ser42Cys. To our knowledge, this variant has not been reported in the literature. This variant is reported in 0.0058% of alleles in individuals of Latino descent in gnomAD. At this time, the clinical significance of this variant is uncertain due to the absence of conclusive functional and genetic evidence.

Ambry Genetics
Classification: Uncertain significance for Inborn genetic diseases. Last evaluated: 2018-07-13. Review status: criteria provided, single submitter. Criteria: Ambry Variant Classification Scheme 2023. Collection method: clinical testing. Allele origin: germline.
Comment: The p.S42C variant (also known as c.125C>G), located in coding exon 1 of the FOXP2 gene, results from a C to G substitution at nucleotide position 125. The serine at codon 42 is replaced by cysteine, an amino acid with dissimilar properties. This amino acid position is well conserved in available vertebrate species. In addition, the in silico prediction for this alteration is inconclusive. Since supporting evidence is limited at this time, the clinical significance of this alteration remains unclear.

NM_014491.4(FOXP2):c.125C>G (p.Ser42Cys)

Gene: FOXP2 (forkhead box P2; plus strand). Cytogenetic location: 7q31.1.
Variant type: single nucleotide variant.
Coding change: c.125C>G on transcript NM_014491.4 (MANE Select); coding-DNA position 125, C replaced by G.
Protein change: p.Ser42Cys; replaces serine 42 with cysteine.
Molecular consequence: missense variant. On other transcripts: non-coding transcript variant (2).
Genome position (GRCh38, 1-based): chr7:114,426,636, C>G. VCF-style: chr7-114426636-C-G. GRCh37 (hg19) VCF-style: chr7-114066691-C-G.
Other names: c.125C>G, p.Ser42Cys (NM_001172766.3, NM_001172767.2, NM_148898.4 and 2 more transcripts); c.-1409C>G (NM_001172777.1); short protein forms S42C.
Identifiers: ClinVar variation 1762709 (VCV001762709.3), dbSNP rs754271344, ClinGen allele CA4445660.